The following is an entry in ClinVar:

NM_004230.4(S1PR2):c.664G>C (p.Asp222His)

Gene: S1PR2 (sphingosine-1-phosphate receptor 2; minus strand). Cytogenetic location: 19p13.2.
Variant type: single nucleotide variant.
Coding change: c.664G>C on transcript NM_004230.4 (MANE Select); coding-DNA position 664, G replaced by C.
Protein change: p.Asp222His; replaces aspartic acid 222 with histidine.
Molecular consequence: missense variant.
Genome position (GRCh38, 1-based): chr19:10,224,242, C>G on the plus strand (G>C on the coding strand, the complement: S1PR2 is on the minus strand). VCF-style: chr19-10224242-C-G. GRCh37 (hg19) VCF-style: chr19-10334918-C-G.
Other names: short protein forms D222H.
Identifiers: ClinVar variation 2985867 (VCV002985867.3), dbSNP rs747191535, ClinGen allele CA9189052.
Genomic context (GRCh38, chr19:10,224,242, plus strand): 5'-AGACGCCTAGCACGATGGTGACCGTCTTGAGCAGGGCTAGCGTCTGCGGGGCGGCCATGT[C>G]AGCGTGGCTTGAGCGGACCACGCAGTAGATGCGCACGTACAGGGCCACGATGGCCAACAG-3'
Protein context (NP_004221.3, residues 212-232): IYCVVRSSHA[Asp222His]MAAPQTLALL

ClinVar aggregate classification (germline): Uncertain significance (1 of 4 stars; one submission).

Allele frequency attached by ClinVar (database versions not stated): gnomAD 0.00001; gnomAD exomes 0.00001; ExAC 0.00002.
gnomAD v4.1: 9 of 1,613,740 alleles (0.00056%); highest among the groups gnomAD compares: South Asian, 0.0099%; no homozygotes.

Submission:

Labcorp Genetics (formerly Invitae), Labcorp
Classification: Uncertain significance. Last evaluated: 2025-12-08. Review status: criteria provided, single submitter. Criteria: Invitae Variant Classification Sherloc (09022015). Collection method: clinical testing. Allele origin: germline.
Comment: This sequence change replaces aspartic acid, which is acidic and polar, with histidine, which is basic and polar, at codon 222 of the S1PR2 protein (p.Asp222His). This variant is present in population databases (rs747191535, gnomAD 0.01%). This variant has not been reported in the literature in individuals affected with S1PR2-related conditions. ClinVar contains an entry for this variant (Variation ID: 2985867). An algorithm developed to predict the effect of missense changes on protein structure and function (PolyPhen-2) suggests that this variant is likely to be disruptive. In summary, the available evidence is currently insufficient to determine the role of this variant in disease. Therefore, it has been classified as a Variant of Uncertain Significance.